The following is an entry in ClinVar:

NM_001110556.2(FLNA):c.94G>A (p.Glu32Lys)

Gene: FLNA (filamin A; minus strand). Cytogenetic location: Xq28.
Variant type: single nucleotide variant.
Coding change: c.94G>A on transcript NM_001110556.2 (MANE Select); coding-DNA position 94, G replaced by A.
Protein change: p.Glu32Lys; replaces glutamic acid 32 with lysine.
Molecular consequence: missense variant.
Genome position (GRCh38, 1-based): chrX:154,371,152, C>T on the plus strand (G>A on the coding strand, the complement: FLNA is on the minus strand). VCF-style: chrX-154371152-C-T. GRCh37 (hg19) VCF-style: chrX-153599520-C-T.
Other names: c.94G>A (NM_001456.3, NM_001110556.1); c.94G>A, p.Glu32Lys (NM_001456.4); short protein forms E32K.
Identifiers: ClinVar variation 2171290 (VCV002171290.8), dbSNP rs1557180220, ClinGen allele CA415255610.

ClinVar aggregate classification (germline): Uncertain significance. Review status: criteria provided, multiple submitters, no conflicts (2 of 4 stars). 3 submissions from 3 submitters: Uncertain significance (2). 1 of the submissions does not count toward it. Last evaluated 2025-07-07.

Conditions:
Frontometaphyseal dysplasia (FMD1). Identifiers: Orphanet 1826, MedGen C0265293, MONDO:0015942.
Heterotopia, periventricular, X-linked dominant (PVNH1). Also called: PERIVENTRICULAR NODULAR HETEROTOPIA 1; X-linked periventricular heterotopia; PERIVENTRICULAR NODULAR HETEROTOPIA 4; HETEROTOPIA, PERIVENTRICULAR, 1. Identifiers: Orphanet 2149, Orphanet 82004, MedGen C1848213, MONDO:0010233, OMIM 300049.
Oto-palato-digital syndrome, type II (OPD2). Also called: FACIOPALATOOSSEOUS SYNDROME; Otopalatodigital Syndrome Type 2 (FLNA-OPD2); OPD II SYNDROME; Otopalatodigital Syndrome, Type II. Identifiers: Orphanet 669, Orphanet 90652, MedGen C1844696, MONDO:0010571, OMIM 304120.
Melnick-Needles syndrome (MNS). Also called: Melnick-Needles Syndrome (FLNA-MNS); MELNICK-NEEDLES OSTEODYSPLASTY; OSTEODYSPLASTY OF MELNICK AND NEEDLES. Identifiers: Orphanet 2484, MedGen C0025237, MONDO:0010650, OMIM 309350.
FLNA-related disorder.

Allele frequency attached by ClinVar (database versions not stated): gnomAD exomes below 0.00001.

Submissions (3):

GeneDx
Classification: Uncertain significance. Last evaluated: 2025-07-07. Review status: criteria provided, single submitter. Criteria: GeneDx Variant Classification Process June 2021. Collection method: clinical testing. Allele origin: germline.
Comment: Has not been previously published as pathogenic or benign to our knowledge; In silico analysis supports that this missense variant has a deleterious effect on protein structure/function

Labcorp Genetics (formerly Invitae), Labcorp
Classification: Uncertain significance for Oto-palato-digital syndrome, type II; Heterotopia, periventricular, X-linked dominant; Frontometaphyseal dysplasia; Melnick-Needles syndrome. Last evaluated: 2024-05-11. Review status: criteria provided, single submitter. Criteria: Invitae Variant Classification Sherloc (09022015). Collection method: clinical testing. Allele origin: germline.
Comment: This sequence change replaces glutamic acid, which is acidic and polar, with lysine, which is basic and polar, at codon 32 of the FLNA protein (p.Glu32Lys). The frequency data for this variant in the population databases is considered unreliable, as metrics indicate poor data quality at this position in the gnomAD database. This variant has not been reported in the literature in individuals affected with FLNA-related conditions. ClinVar contains an entry for this variant (Variation ID: 2171290). Advanced modeling of protein sequence and biophysical properties (such as structural, functional, and spatial information, amino acid conservation, physicochemical variation, residue mobility, and thermodynamic stability) has been performed at Invitae for this missense variant, however the output from this modeling did not meet the statistical confidence thresholds required to predict the impact of this variant on FLNA protein function. In summary, the available evidence is currently insufficient to determine the role of this variant in disease. Therefore, it has been classified as a Variant of Uncertain Significance.

PreventionGenetics, part of Exact Sciences
Classification: Uncertain significance for FLNA-related condition. Last evaluated: 2024-01-16. Review status: no assertion criteria provided. Collection method: clinical testing. Allele origin: germline. Not counted in ClinVar's aggregate classification.
Comment: The FLNA c.94G>A variant is predicted to result in the amino acid substitution p.Glu32Lys. To our knowledge, this variant has not been reported in the literature. This variant is reported in 0.0030% of alleles in individuals of European (Non-Finnish) descent in gnomAD. At this time, the clinical significance of this variant is uncertain due to the absence of conclusive functional and genetic evidence.